The following is an entry in ClinVar:

ClinVar aggregate classification (germline): Uncertain significance (1 of 4 stars; one submission).

Conditions:
Dyskeratosis congenita, autosomal dominant 1 (DKCA1). Also called: Dyskeratosis congenita Scoggins type. Identifiers: Orphanet 1775, MedGen C4551974, MONDO:0007485, OMIM 127550. Inheritance: Variable.

Submission:

Labcorp Genetics (formerly Invitae), Labcorp
Classification: Uncertain significance for Dyskeratosis congenita, autosomal dominant 1. Last evaluated: 2022-08-19. Review status: criteria provided, single submitter. Criteria: Invitae Variant Classification Sherloc (09022015). Collection method: clinical testing. Allele origin: germline.
Comment: This variant occurs in the TERC gene, which encodes an RNA molecule that does not result in a protein product. This variant is not present in population databases (gnomAD no frequency). This variant has not been reported in the literature in individuals affected with TERC-related conditions. This variant is located at the 5’ end of the TERC RNA component (PMID: 15082312, 21844345). The functional significance of this region is not well understood. In summary, the available evidence is currently insufficient to determine the role of this variant in disease. Therefore, it has been classified as a Variant of Uncertain Significance.

Literature cited by the submitters: PubMed 15082312; PubMed 21844345.

NC_000003.12:g.169765040C>G

Genes: TERC (telomerase RNA component; minus strand), LOC110806306 (telomerase RNA component (TERC) promoter; plus strand). Cytogenetic location: 3q26.2.
Variant type: single nucleotide variant.
Genome position: GRCh38 VCF-style: chr3-169765040-C-G. GRCh37 (hg19) VCF-style: chr3-169482828-C-G.
Identifiers: ClinVar variation 2024952 (VCV002024952.4), dbSNP rs2108183433, ClinGen allele CA436716028.